The following is an entry in ClinVar:

NM_001042492.3(NF1):c.5033A>G (p.Tyr1678Cys)

Gene: NF1 (neurofibromin 1; plus strand). Cytogenetic location: 17q11.2.
Variant type: single nucleotide variant.
Coding change: c.5033A>G on transcript NM_001042492.3 (MANE Select); coding-DNA position 5033, A replaced by G.
Protein change: p.Tyr1678Cys; replaces tyrosine 1678 with cysteine.
Molecular consequence: missense variant.
Genome position (GRCh38, 1-based): chr17:31,326,017, A>G. VCF-style: chr17-31326017-A-G. GRCh37 (hg19) VCF-style: chr17-29653035-A-G.
Other names: c.4970A>G, p.Tyr1657Cys (NM_000267.4); short protein forms Y1678C, Y1657C.
Identifiers: ClinVar variation 457737 (VCV000457737.13), dbSNP rs1555533347, ClinGen allele CA399007358.
Genomic context (GRCh38, chr17:31,326,017, plus strand): 5'-TTCTCTCTAAGTGGTTTGTTGTTTTTCCTGGCTTTGCTTACGACAACGTCTCCGCAGTCT[A>G]TATCTATAACTGTAACTCCTGGGTCAGGGAGTACACCAAGTATCATGAGCGGCTGCTGAC-3'
Protein context (NP_001035957.1, residues 1668-1688): GFAYDNVSAV[Tyr1678Cys]IYNCNSWVRE

ClinVar aggregate classification (germline): Conflicting classifications of pathogenicity. Review status: criteria provided, conflicting classifications (1 of 4 stars). 4 submissions from 4 submitters: Uncertain significance (3); Likely benign (1). Last evaluated 2025-07-27.

Conditions:
Cardiovascular phenotype. Identifiers: MedGen CN230736.
Hereditary cancer-predisposing syndrome. Also called: Hereditary Cancer Syndrome; Hereditary neoplastic syndrome; Tumor predisposition; Neoplastic Syndromes, Hereditary. Identifiers: Orphanet 140162, MedGen C0027672, MeSH D009386, MONDO:0015356.
Neurofibromatosis, type 1 (NF1). Also called: VON RECKLINGHAUSEN DISEASE; NEUROFIBROMATOSIS, TYPE I, SOMATIC; Peripheral type neurofibromatosis; Neurofibromatosis, type I. Identifiers: Orphanet 636, MedGen C0027831, MONDO:0018975, OMIM 162200. Disease mechanism: loss of function.

Allele frequency attached by ClinVar (database versions not stated): gnomAD exomes below 0.00001.
gnomAD v4.1: 2 of 1,614,184 alleles (0.00012%); highest among the groups gnomAD compares: East Asian, 0.0022%; no homozygotes.

Submissions (4):

Labcorp Genetics (formerly Invitae), Labcorp
Classification: Likely benign for Neurofibromatosis, type 1. Last evaluated: 2025-07-27. Review status: criteria provided, single submitter. Criteria: Invitae Variant Classification Sherloc (09022015). Collection method: clinical testing. Allele origin: germline.

Ambry Genetics
Classification: Uncertain significance for Cardiovascular phenotype; Hereditary cancer-predisposing syndrome. Last evaluated: 2024-09-09. Review status: criteria provided, single submitter. Criteria: Ambry Variant Classification Scheme 2023. Collection method: clinical testing. Allele origin: germline.
Comment: The p.Y1657C variant (also known as c.4970A>G), located in coding exon 36 of the NF1 gene, results from an A to G substitution at nucleotide position 4970. The tyrosine at codon 1657 is replaced by cysteine, an amino acid with highly dissimilar properties. This amino acid position is well conserved in available vertebrate species. In addition, this alteration is predicted to be deleterious by in silico analysis. Based on the available evidence, the clinical significance of this variant remains unclear.

GeneDx
Classification: Uncertain significance. Last evaluated: 2023-11-01. Review status: criteria provided, single submitter. Criteria: GeneDx Variant Classification Process June 2021. Collection method: clinical testing. Allele origin: germline. Affected: yes.
Comment: Not observed at significant frequency in large population cohorts (gnomAD); In silico analysis supports that this missense variant has a deleterious effect on protein structure/function; Observed as a germline variant in an individual with juvenile myelomonocytic leukemia in the published literature (PMID: 23832011); This variant is associated with the following publications: (PMID: 23832011, 36243179)

Genome-Nilou Lab
Classification: Uncertain significance for Neurofibromatosis, type 1. Last evaluated: 2022-03-15. Review status: criteria provided, single submitter. Criteria: ACMG Guidelines, 2015. Collection method: clinical testing. Allele origin: germline. Affected: no.